The following is an entry in ClinVar:

NM_152383.5(DIS3L2):c.1984A>G (p.Thr662Ala)

Gene: DIS3L2 (DIS3 like 3'-5' exoribonuclease 2; plus strand). Cytogenetic location: 2q37.1.
Variant type: single nucleotide variant.
Coding change: c.1984A>G on transcript NM_152383.5 (MANE Select); coding-DNA position 1984, A replaced by G.
Protein change: p.Thr662Ala; replaces threonine 662 with alanine.
Molecular consequence: missense variant. On other transcripts: non-coding transcript variant (2), intron variant (1).
Genome position (GRCh38, 1-based): chr2:232,330,750, A>G. VCF-style: chr2-232330750-A-G. GRCh37 (hg19) VCF-style: chr2-233195460-A-G.
Other names: c.1582-12595A>G (NM_001257281.2); short protein forms T662A.
Identifiers: ClinVar variation 2762639 (VCV002762639.3), dbSNP rs1695711631, ClinGen allele CA350976691.

ClinVar aggregate classification (germline): Uncertain significance (1 of 4 stars; one submission).

Conditions:
Perlman syndrome (PRLMNS). Identifiers: Orphanet 2849, MedGen C0796113, MONDO:0009965, OMIM 267000.

Submission:

Labcorp Genetics (formerly Invitae), Labcorp
Classification: Uncertain significance for Perlman syndrome. Last evaluated: 2023-09-22. Review status: criteria provided, single submitter. Criteria: Invitae Variant Classification Sherloc (09022015). Collection method: clinical testing. Allele origin: germline.
Comment: This sequence change replaces threonine, which is neutral and polar, with alanine, which is neutral and non-polar, at codon 662 of the DIS3L2 protein (p.Thr662Ala). This variant is not present in population databases (gnomAD no frequency). In summary, the available evidence is currently insufficient to determine the role of this variant in disease. Therefore, it has been classified as a Variant of Uncertain Significance. Advanced modeling of protein sequence and biophysical properties (such as structural, functional, and spatial information, amino acid conservation, physicochemical variation, residue mobility, and thermodynamic stability) performed at Invitae indicates that this missense variant is not expected to disrupt DIS3L2 protein function. This variant has not been reported in the literature in individuals affected with DIS3L2-related conditions.